The following is an entry in ClinVar:

NM_020821.3(VPS13C):c.4443C>G (p.Cys1481Trp)

Gene: VPS13C (vacuolar protein sorting 13 homolog C; minus strand). Cytogenetic location: 15q22.2.
Variant type: single nucleotide variant.
Coding change: c.4443C>G on transcript NM_020821.3 (MANE Select); coding-DNA position 4443, C replaced by G.
Protein change: p.Cys1481Trp; replaces cysteine 1481 with tryptophan.
Molecular consequence: missense variant.
Genome position (GRCh38, 1-based): chr15:61,951,837, G>C on the plus strand (C>G on the coding strand, the complement: VPS13C is on the minus strand). VCF-style: chr15-61951837-G-C. GRCh37 (hg19) VCF-style: chr15-62244036-G-C.
Other names: c.4443C>G, p.Cys1481Trp (NM_001018088.3); c.4314C>G, p.Cys1438Trp (NM_017684.5, NM_018080.4); short protein forms C1481W, C1438W.
Identifiers: ClinVar variation 2133427 (VCV002133427.4), dbSNP rs1284461847, ClinGen allele CA392695675.

ClinVar aggregate classification (germline): Uncertain significance (1 of 4 stars; one submission).

Submission:

Labcorp Genetics (formerly Invitae), Labcorp
Classification: Uncertain significance. Last evaluated: 2022-05-06. Review status: criteria provided, single submitter. Criteria: Invitae Variant Classification Sherloc (09022015). Collection method: clinical testing. Allele origin: germline.
Comment: This variant is not present in population databases (gnomAD no frequency). In summary, the available evidence is currently insufficient to determine the role of this variant in disease. Therefore, it has been classified as a Variant of Uncertain Significance. Algorithms developed to predict the effect of missense changes on protein structure and function are either unavailable or do not agree on the potential impact of this missense change (SIFT: "Tolerated"; PolyPhen-2: "Probably Damaging"; Align-GVGD: "Class C0"). This variant has not been reported in the literature in individuals affected with VPS13C-related conditions. This sequence change replaces cysteine, which is neutral and slightly polar, with tryptophan, which is neutral and slightly polar, at codon 1481 of the VPS13C protein (p.Cys1481Trp).